The following is an entry in ClinVar:

ClinVar aggregate classification (germline): Uncertain significance. Review status: criteria provided, multiple submitters, no conflicts (2 of 4 stars). 2 submissions from 2 submitters: Uncertain significance (2). Last evaluated 2024-10-24.

Conditions:
Familial hypocalciuric hypercalcemia (FHH). Also called: Familial benign hypercalcemia. Identifiers: Orphanet 405, MedGen C1809471, MONDO:0018458.
Autosomal dominant hypocalcemia 1 (HYPOC1). Also called: HYPOCALCEMIA, FAMILIAL. Identifiers: MedGen C3715128, MONDO:0011013, OMIM 601198.
Nephrolithiasis/nephrocalcinosis. Identifiers: MedGen CN580796.

Submissions (2):

Labcorp Genetics (formerly Invitae), Labcorp
Classification: Uncertain significance for Familial hypocalciuric hypercalcemia; Autosomal dominant hypocalcemia 1. Last evaluated: 2024-10-24. Review status: criteria provided, single submitter. Criteria: Invitae Variant Classification Sherloc (09022015). Collection method: clinical testing. Allele origin: germline.
Comment: This variant, c.2780_2857dup, results in the insertion of 26 amino acid(s) of the CASR protein (p.Pro927_Gln952dup), but otherwise preserves the integrity of the reading frame. This variant is not present in population databases (gnomAD no frequency). This variant has not been reported in the literature in individuals affected with CASR-related conditions. ClinVar contains an entry for this variant (Variation ID: 661008). Experimental studies and prediction algorithms are not available or were not evaluated, and the functional significance of this variant is currently unknown. In summary, the available evidence is currently insufficient to determine the role of this variant in disease. Therefore, it has been classified as a Variant of Uncertain Significance.

Ambry Genetics
Classification: Uncertain significance for Nephrolithiasis/nephrocalcinosis. Last evaluated: 2023-01-05. Review status: criteria provided, single submitter. Criteria: Ambry Variant Classification Scheme 2023. Collection method: clinical testing. Allele origin: germline.
Comment: The c.2780_2857dup78 variant (also known as p.P927_Q952dup), located in coding exon 6 of the CASR gene, results from an in-frame duplication of 78 nucleotides at nucleotide positions 2780 to 2857. This results in the duplication of 26 extra residues (PERQKQQQPLALTQQEQQQQPLTLPQ) between codons 927 and 952. Since supporting evidence is limited at this time, the clinical significance of this alteration remains unclear.

NM_000388.4(CASR):c.2780_2857dup (p.Pro927_Gln952dup)

Gene: CASR (calcium sensing receptor; plus strand). Cytogenetic location: 3q21.1.
Variant type: Duplication.
Coding change: c.2780_2857dup on transcript NM_000388.4 (MANE Select); coding-DNA positions 2780 to 2857, 78 bases duplicated.
Protein change: p.Pro927_Gln952dup.
Molecular consequence: inframe insertion.
Genome position (GRCh38, 1-based): chr3:122,284,734-122,284,811, 78 bases duplicated. GRCh37 (hg19): chr3:122,003,581-122,003,658.
Other names: c.2810_2887dup, p.Pro937_Gln962dup (NM_001178065.2); c.2780_2857dupCCGAGAGGCAGAAGCAGCAGCAGCCGCTGGCCCTAACCCAGCAAGAGCAGCAGCAGCAGCCCCTGACCCTCCCACAGC (NM_000388.3).
Identifiers: ClinVar variation 661008 (VCV000661008.10), dbSNP rs1576878469, ClinGen allele CA915941534.